The following is an entry in ClinVar:

NM_002972.4(SBF1):c.258G>C (p.Trp86Cys)

Gene: SBF1 (SET binding factor 1; minus strand). Cytogenetic location: 22q13.33.
Variant type: single nucleotide variant.
Coding change: c.258G>C on transcript NM_002972.4 (MANE Select); coding-DNA position 258, G replaced by C.
Protein change: p.Trp86Cys; replaces tryptophan 86 with cysteine.
Molecular consequence: missense variant.
Genome position (GRCh38, 1-based): chr22:50,467,807, C>G on the plus strand (G>C on the coding strand, the complement: SBF1 is on the minus strand). VCF-style: chr22-50467807-C-G. GRCh37 (hg19) VCF-style: chr22-50906236-C-G.
Other names: c.258G>C, p.Trp86Cys (NM_001365819.1); short protein forms W86C.
Identifiers: ClinVar variation 1309085 (VCV001309085.2), dbSNP rs1556436786, ClinGen allele CA412224102.

ClinVar aggregate classification (germline): Uncertain significance (1 of 4 stars; one submission).

Submission:

GeneDx
Classification: Uncertain significance. Last evaluated: 2019-10-16. Review status: criteria provided, single submitter. Criteria: GeneDx Variant Classification Process June 2021. Collection method: clinical testing. Allele origin: germline. Affected: yes.
Comment: Not observed in large population cohorts (Lek et al., 2016); In silico analysis, which includes protein predictors and evolutionary conservation, supports a deleterious effect; Has not been previously published as pathogenic or benign to our knowledge